The following is an entry in ClinVar:

ClinVar aggregate classification (germline): Uncertain significance. Review status: criteria provided, multiple submitters, no conflicts (2 of 4 stars). 3 submissions from 3 submitters: Uncertain significance (3). Last evaluated 2025-01-14.

Conditions:
Sick sinus syndrome 3, susceptibility to (SSS3). Identifiers: Orphanet 166282, MedGen C3279791, MONDO:0013568, OMIM 614090.
Hypertrophic cardiomyopathy 1 (CMH1). Also called: Familial hypertrophic cardiomyopathy 1; MYH7-Related Familial Hypertrophic Cardiomyopathy. Identifiers: MedGen C3495498, MONDO:0008647, OMIM 192600.
Dilated cardiomyopathy 1EE (CMD1EE). Identifiers: Orphanet 154, MedGen C2750466, MONDO:0013198, OMIM 613252.
Hypertrophic cardiomyopathy 14. Identifiers: MedGen C2750467, MONDO:0013197, OMIM 613251.
Atrial septal defect 3 (ASD3). Identifiers: Orphanet 1478, MedGen C3279790, MONDO:0013567, OMIM 614089.
Cardiovascular phenotype. Identifiers: MedGen CN230736.

Allele frequency attached by ClinVar (database versions not stated): ExAC 0.00001; gnomAD exomes 0.00002.
gnomAD v4.1: 57 of 1,614,026 alleles (0.0035%); highest among the groups gnomAD compares: Non-Finnish European, 0.0045%; no homozygotes.

Submissions (3):

Labcorp Genetics (formerly Invitae), Labcorp
Classification: Uncertain significance for Hypertrophic cardiomyopathy 14. Last evaluated: 2025-01-14. Review status: criteria provided, single submitter. Criteria: Invitae Variant Classification Sherloc (09022015). Collection method: clinical testing. Allele origin: germline.
Comment: This sequence change replaces proline, which is neutral and non-polar, with serine, which is neutral and polar, at codon 82 of the MYH6 protein (p.Pro82Ser). This variant is present in population databases (rs754260713, gnomAD 0.003%). This variant has not been reported in the literature in individuals affected with MYH6-related conditions. ClinVar contains an entry for this variant (Variation ID: 1371522). Invitae Evidence Modeling of protein sequence and biophysical properties (such as structural, functional, and spatial information, amino acid conservation, physicochemical variation, residue mobility, and thermodynamic stability) indicates that this missense variant is expected to disrupt MYH6 protein function with a positive predictive value of 80%. In summary, the available evidence is currently insufficient to determine the role of this variant in disease. Therefore, it has been classified as a Variant of Uncertain Significance.

Ambry Genetics
Classification: Uncertain significance for Cardiovascular phenotype. Last evaluated: 2024-01-03. Review status: criteria provided, single submitter. Criteria: Ambry Variant Classification Scheme 2023. Collection method: clinical testing. Allele origin: germline.
Comment: The p.P82S variant (also known as c.244C>T), located in coding exon 2 of the MYH6 gene, results from a C to T substitution at nucleotide position 244. The proline at codon 82 is replaced by serine, an amino acid with similar properties. This amino acid position is highly conserved in available vertebrate species. In addition, the in silico prediction for this alteration is inconclusive. Since supporting evidence is limited at this time, the clinical significance of this alteration remains unclear.

Fulgent Genetics
Classification: Uncertain significance for Hypertrophic cardiomyopathy 1; Hypertrophic cardiomyopathy 14; Dilated cardiomyopathy 1EE; Atrial septal defect 3; Sick sinus syndrome 3, susceptibility to. Last evaluated: 2021-08-27. Review status: criteria provided, single submitter. Criteria: ACMG Guidelines, 2015. Collection method: clinical testing. Allele origin: unknown.

NM_002471.4(MYH6):c.244C>T (p.Pro82Ser)

Genes: MYH6 (myosin heavy chain 6; minus strand), LOC114827851 (VISTA enhancer hs2155; plus strand). Cytogenetic location: 14q11.2.
Variant type: single nucleotide variant.
Coding change: c.244C>T on transcript NM_002471.4 (MANE Select); coding-DNA position 244, C replaced by T.
Protein change: p.Pro82Ser; replaces proline 82 with serine.
Molecular consequence: missense variant.
Genome position (GRCh38, 1-based): chr14:23,405,728, G>A on the plus strand (C>T on the coding strand, the complement: MYH6 is on the minus strand). VCF-style: chr14-23405728-G-A. GRCh37 (hg19) VCF-style: chr14-23874937-G-A.
Other names: short protein forms P82S.
Identifiers: ClinVar variation 1371522 (VCV001371522.11), dbSNP rs754260713, ClinGen allele CA7116219.